The following is an entry in ClinVar:

ClinVar aggregate classification (germline): Benign. Review status: reviewed by expert panel (3 of 4 stars). 2 submissions from 2 submitters: Benign (1). 1 of the submissions does not count toward it. Last evaluated 2015-01-12.

Conditions:
Breast-ovarian cancer, familial, susceptibility to, 1 (BROVCA1). Also called: BRCA1 Hereditary Breast and Ovarian Cancer; OVARIAN CANCER, SUSCEPTIBILITY TO. Identifiers: Orphanet 145, MedGen C2676676, MONDO:0011450, OMIM 604370. Disease mechanism: loss of function.

Allele frequency attached by ClinVar (database versions not stated): gnomAD 0.01489 and 0.01580; TOPMed 0.01722; 1000 Genomes Project 0.01797; 1000 Genomes Project 30x 0.01936.
gnomAD v4.1: 2,241 of 152,216 alleles (1.5%); highest among the groups gnomAD compares: African/African-American, 5.1%; 48 homozygotes.

Submissions (2):

Evidence-based Network for the Interpretation of Germline Mutant Alleles (ENIGMA)
Classification: Benign for Breast-ovarian cancer, familial 1. Last evaluated: 2015-01-12. Review status: reviewed by expert panel. Criteria: ENIGMA BRCA1/2 Classification Criteria (2015). Collection method: curation. Allele origin: germline.
Comment: Class 1 not pathogenic based on frequency >1% in an outbred sampleset. Frequency 0.05285 (African), derived from 1000 genomes (2012-04-30).

GeneDx
Classification: Benign. Last evaluated: 2018-07-10. Review status: criteria provided, single submitter. Criteria: GeneDx Variant Classification Process June 2021. Collection method: clinical testing. Allele origin: germline. Affected: yes. Not counted in ClinVar's aggregate classification.

NM_007294.4(BRCA1):c.213-266A>G

Gene: BRCA1 (BRCA1 DNA repair associated; minus strand). Cytogenetic location: 17q21.31.
Variant type: single nucleotide variant.
Coding change: c.213-266A>G on transcript NM_007294.4 (MANE Select); 266 bases into the intron before coding-DNA position 213, A replaced by G.
Molecular consequence: intron variant.
Genome position (GRCh38, 1-based): chr17:43,105,222, T>C on the plus strand (A>G on the coding strand, the complement: BRCA1 is on the minus strand). VCF-style: chr17-43105222-T-C. GRCh37 (hg19) VCF-style: chr17-41257239-T-C.
Other names: IVS 5-266A>G; c.72-266A>G (NM_001408458.1, NM_001407931.1, NM_001407747.1 and 99 more transcripts); c.-218-10362A>G (NM_001407967.1, NM_001407966.1); c.-169-266A>G (NM_001407959.1, NM_001407962.1, NM_001408512.1 and 4 more transcripts); c.3-266A>G (NM_001407885.1, NM_001407886.1, NM_001407898.1 and 58 more transcripts); c.213-266A>G (NM_001407686.1, NM_001408397.1, NM_001407632.1 and 167 more transcripts); c.81-266A>G (NM_001408451.1); c.135-266A>G (NM_001408475.1, NM_001407875.1, NM_001407659.1 and 21 more transcripts).
Identifiers: ClinVar variation 209488 (VCV000209488.4), dbSNP rs8176134, ClinGen allele CA276458.